The following is an entry in ClinVar:

NM_144701.3(IL23R):c.1448G>T (p.Gly483Val)

Gene: IL23R (interleukin 23 receptor; plus strand). Cytogenetic location: 1p31.3.
Variant type: single nucleotide variant.
Coding change: c.1448G>T on transcript NM_144701.3 (MANE Select); coding-DNA position 1448, G replaced by T.
Protein change: p.Gly483Val; replaces glycine 483 with valine.
Molecular consequence: missense variant.
Genome position (GRCh38, 1-based): chr1:67,258,686, G>T. VCF-style: chr1-67258686-G-T. GRCh37 (hg19) VCF-style: chr1-67724369-G-T.
Other names: short protein forms G483V.
Identifiers: ClinVar variation 1436528 (VCV001436528.6), dbSNP rs1421853018, ClinGen allele CA340728275.

ClinVar aggregate classification (germline): Uncertain significance (1 of 4 stars; one submission).

Allele frequency attached by ClinVar (database versions not stated): gnomAD exomes below 0.00001; gnomAD 0.00001.
gnomAD v4.1: 4 of 1,613,624 alleles (0.00025%); highest among the groups gnomAD compares: Middle Eastern, 0.016%; no homozygotes.

Submission:

Labcorp Genetics (formerly Invitae), Labcorp
Classification: Uncertain significance. Last evaluated: 2022-11-01. Review status: criteria provided, single submitter. Criteria: Invitae Variant Classification Sherloc (09022015). Collection method: clinical testing. Allele origin: germline.
Comment: This variant is present in population databases (no rsID available, gnomAD 0.03%). This sequence change replaces glycine, which is neutral and non-polar, with valine, which is neutral and non-polar, at codon 483 of the IL23R protein (p.Gly483Val). This variant has not been reported in the literature in individuals affected with IL23R-related conditions. In summary, the available evidence is currently insufficient to determine the role of this variant in disease. Therefore, it has been classified as a Variant of Uncertain Significance. Algorithms developed to predict the effect of missense changes on protein structure and function are either unavailable or do not agree on the potential impact of this missense change (SIFT: "Deleterious"; PolyPhen-2: "Probably Damaging"; Align-GVGD: "Class C0"). ClinVar contains an entry for this variant (Variation ID: 1436528).